The following is an entry in ClinVar:

ClinVar aggregate classification (germline): Pathogenic (0 of 4 stars; one submission).

Conditions:
Failure to thrive. Also called: Pediatric failure to thrive. Identifiers: MedGen C2315100, HP:0001508.
Cholestatic liver disease. Identifiers: MedGen C0860204, HP:0002611.
Premature menopause. Identifiers: MedGen C0025322, MONDO:0001119.
Global proximal tubulopathy. Identifiers: MedGen C4022839, HP:0012573.
Cutaneous photosensitivity. Also called: Skin sensitivity to sun. Identifiers: MedGen C0349506, MONDO:0005434, HP:0000992.

Submission:

Victorian Clinical Genetics Services, Murdoch Childrens Research Institute
Classification: Pathogenic for Failure to thrive; Cutaneous photosensitivity; Global proximal tubulopathy; Cholestatic liver disease; Premature ovarian insufficiency. Last evaluated: 2018-09-10. Review status: no assertion criteria provided. Collection method: clinical testing. Allele origin: maternal. Inheritance: Autosomal recessive inheritance. Affected: yes.
Comment: A heterozygous deletion of exon 4 was identified, c.(425+1_426-1)_(525+1_526-1). Based on the information available at the time of curation and in conjunction with the c.466C>T variant, this deletion has been classified as PATHOGENIC.

NM_001983.4(ERCC1):c.321+61_525+132del

Gene: ERCC1 (ERCC excision repair 1, endonuclease non-catalytic subunit; minus strand). Cytogenetic location: 19q13.32.
Variant type: Deletion.
Coding change: c.321+61_525+132del on transcript NM_001983.4 (MANE Select); 61 bases into the intron after coding-DNA position 321 through 132 bases into the intron after coding-DNA position 525, 2,152 bases deleted.
Molecular consequence: splice acceptor variant, splice donor variant.
Genome position (GRCh38, 1-based): chr19:45,418,966-45,421,117, 2,152 bases deleted. GRCh37 (hg19): chr19:45,922,226-45,924,377.
Other names: c.321+61_525+132del (NM_001369412.1, NM_001369413.1, NM_001369417.1 and 11 more transcripts).
Identifiers: ClinVar variation 981245 (VCV000981245.2), ClinGen allele CA1139666485.